The following is an entry in ClinVar:

NM_000535.7(PMS2):c.2581C>T (p.Gln861Ter)

Gene: PMS2 (PMS1 homolog 2, mismatch repair system component; minus strand). Cytogenetic location: 7p22.1.
Variant type: single nucleotide variant.
Coding change: c.2581C>T on transcript NM_000535.7 (MANE Select); coding-DNA position 2581, C replaced by T.
Protein change: p.Gln861Ter; replaces glutamine 861 with a stop codon.
Molecular consequence: nonsense. On other transcripts: non-coding transcript variant (1).
Genome position (GRCh38, 1-based): chr7:5,973,407, G>A on the plus strand (C>T on the coding strand, the complement: PMS2 is on the minus strand). VCF-style: chr7-5973407-G-A. GRCh37 (hg19) VCF-style: chr7-6013038-G-A.
Other names: c.2272C>T, p.Gln758Ter (NM_001406878.1, NM_001406879.1, NM_001406880.1 and 4 more transcripts); c.2263C>T, p.Gln755Ter (NM_001406883.1, NM_001322007.2, NM_001322008.2); c.2257C>T, p.Gln753Ter (NM_001406884.1); c.2245C>T, p.Gln749Ter (NM_001406885.1); c.2215C>T, p.Gln739Ter (NM_001406886.1); c.2209C>T, p.Gln737Ter (NM_001406887.1, NM_001322009.2, NM_001406888.1); c.2176C>T, p.Gln726Ter (NM_001406897.1, NM_001406898.1, NM_001406899.1 and 12 more transcripts); c.2116C>T, p.Gln706Ter (NM_001406900.1); and 20 more; short protein forms Q460*, Q550*, Q604*, Q622*, Q670*, Q674*, Q690*, Q699*.
Identifiers: ClinVar variation 3232022 (VCV003232022.2), dbSNP rs2128656635, ClinGen allele CA366734707.

ClinVar aggregate classification (germline): Uncertain significance (1 of 4 stars; one submission).

Conditions:
Hereditary cancer-predisposing syndrome. Also called: Tumor predisposition; Hereditary Cancer Syndrome; Hereditary neoplastic syndrome; Neoplastic Syndromes, Hereditary. Identifiers: Orphanet 140162, MedGen C0027672, MeSH D009386, MONDO:0015356.

Submission:

Ambry Genetics
Classification: Uncertain significance for Hereditary cancer-predisposing syndrome. Last evaluated: 2025-12-19. Review status: criteria provided, single submitter. Criteria: Ambry Variant Classification Scheme 2023. Collection method: clinical testing. Allele origin: germline.
Comment: The p.Q861* variant (also known as c.2581C>T), located in coding exon 15 of the PMS2 gene, results from a C to T substitution at nucleotide position 2581. This changes the amino acid from a glutamine to a stop codon within coding exon 15. This alteration occurs at the 3' terminus of thePMS2 gene, is not expected to trigger nonsense-mediated mRNAdecay, and only impacts the last two amino acids of the protein. The exact functional effect of this alteration is unknown. Based on the available evidence, the clinical significance of this variant remains unclear.